The following is an entry in ClinVar:

ClinVar aggregate classification (germline): Uncertain significance. Review status: criteria provided, multiple submitters, no conflicts (2 of 4 stars). 2 submissions from 2 submitters: Uncertain significance (2). Last evaluated 2026-03-23.

Conditions:
Ullrich congenital muscular dystrophy 2 (UCMD2). Identifiers: Orphanet 75840, MedGen C4225314, MONDO:0014654, OMIM 616470.
Bethlem myopathy 2 (BTHLM2). Identifiers: Orphanet 536516, Orphanet 610, MedGen C4225313, MONDO:0034022, OMIM 616471.

Allele frequency attached by ClinVar (database versions not stated): gnomAD exomes below 0.00001; TOPMed below 0.00001.
gnomAD v4.1: 1 of 1,613,858 alleles (0.000062%); highest among the groups gnomAD compares: Non-Finnish European, 0.000085%; no homozygotes.

Submissions (2):

Women's Health and Genetics/Laboratory Corporation of America, LabCorp
Classification: Uncertain significance. Last evaluated: 2026-03-23. Review status: criteria provided, single submitter. Criteria: LabCorp Variant Classification Summary - May 2015. Collection method: clinical testing. Allele origin: germline.
Comment: Variant summary: COL12A1 c.3869T>G (p.Phe1290Cys) results in a non-conservative amino acid change in the encoded protein sequence. Algorithms developed to predict the effect of missense changes on protein structure and function all suggest that this variant is likely to be disruptive. The variant was absent in 249186 control chromosomes. The available data on variant occurrences in the general population are insufficient to allow any conclusion about variant significance. c.3869T>G has been observed in individual(s) affected with Adolescent idiopathic scoliosis without clinical specification (Haller_2016). These report(s) do not provide unequivocal conclusions about association of the variant with Ullrich congenital muscular dystrophy 2. To our knowledge, no experimental evidence demonstrating an impact on protein function has been reported. The following publication have been ascertained in the context of this evaluation (PMID: 26566670). ClinVar contains an entry for this variant (Variation ID: 1375837). Based on the evidence outlined above, the variant was classified as uncertain significance.

Labcorp Genetics (formerly Invitae), Labcorp
Classification: Uncertain significance for Bethlem myopathy 2; Ullrich congenital muscular dystrophy 2. Last evaluated: 2026-01-01. Review status: criteria provided, single submitter. Criteria: Invitae Variant Classification Sherloc (09022015). Collection method: clinical testing. Allele origin: germline.
Comment: This sequence change replaces phenylalanine, which is neutral and non-polar, with cysteine, which is neutral and slightly polar, at codon 1290 of the COL12A1 protein (p.Phe1290Cys). This variant is not present in population databases (gnomAD no frequency). This variant has not been reported in the literature in individuals affected with COL12A1-related conditions. ClinVar contains an entry for this variant (Variation ID: 1375837). Invitae Evidence Modeling of protein sequence and biophysical properties (such as structural, functional, and spatial information, amino acid conservation, physicochemical variation, residue mobility, and thermodynamic stability) has been performed for this missense variant. However, the output from this modeling did not meet the statistical confidence thresholds required to predict the impact of this variant on COL12A1 protein function. In summary, the available evidence is currently insufficient to determine the role of this variant in disease. Therefore, it has been classified as a Variant of Uncertain Significance.

Literature cited by the submitters: PubMed 26566670 (cited by Women's Health and Genetics/Laboratory Corporation of America, LabCorp).

NM_004370.6(COL12A1):c.3869T>G (p.Phe1290Cys)

Gene: COL12A1 (collagen type XII alpha 1 chain; minus strand). Cytogenetic location: 6q13.
Variant type: single nucleotide variant.
Coding change: c.3869T>G on transcript NM_004370.6 (MANE Select); coding-DNA position 3869, T replaced by G.
Protein change: p.Phe1290Cys; replaces phenylalanine 1290 with cysteine.
Molecular consequence: missense variant.
Genome position (GRCh38, 1-based): chr6:75,151,998, A>C on the plus strand (T>G on the coding strand, the complement: COL12A1 is on the minus strand). VCF-style: chr6-75151998-A-C. GRCh37 (hg19) VCF-style: chr6-75861714-A-C.
Other names: c.377T>G, p.Phe126Cys (NM_080645.3); short protein forms F126C, F1290C.
Identifiers: ClinVar variation 1375837 (VCV001375837.7), dbSNP rs1387157172, ClinGen allele CA364748458.
Genomic context (GRCh38, chr6:75,151,998, plus strand): 5'-CCATCAGTAATGAGCACACCAATTTTTCGAGCTCGAGGTCTCATGCCAGCTTGGGTCCTG[A>C]AGTTCTGTTGGCGAATGAAATTCAAAGCCATGCCTAGTGGGATTTTTAAAAGAGAATCAG-3'
Protein context (NP_004361.3, residues 1280-1300): MALNFIRQQN[Phe1290Cys]RTQAGMRPRA